The following is an entry in ClinVar:

ClinVar aggregate classification (germline): Uncertain significance. Review status: criteria provided, multiple submitters, no conflicts (2 of 4 stars). 8 submissions from 8 submitters: Uncertain significance (8). Last evaluated 2025-11-10.

Conditions:
Cardiovascular phenotype. Identifiers: MedGen CN230736.
DK1-congenital disorder of glycosylation. Also called: DOLK-congenital disorder of glycosylation; Carbohydrate deficient glycoprotein syndrome type 1m; CDG Im; DK1 DEFICIENCY; DOLICHOL KINASE DEFICIENCY; DK1-CDG. Identifiers: Orphanet 91131, MedGen C1835849, MONDO:0012556, OMIM 610768.

Allele frequency attached by ClinVar (database versions not stated): ExAC 0.00003; gnomAD exomes 0.00003; TOPMed 0.00003; gnomAD 0.00005 and 0.00006.

Submissions (8):

Ambry Genetics
Classification: Uncertain significance for Cardiovascular phenotype. Last evaluated: 2025-11-10. Review status: criteria provided, single submitter. Criteria: Ambry Variant Classification Scheme 2023. Collection method: clinical testing. Allele origin: germline.
Comment: The p.E108G variant (also known as c.323A>G), located in coding exon 1 of the DOLK gene, results from an A to G substitution at nucleotide position 323. The glutamic acid at codon 108 is replaced by glycine, an amino acid with similar properties. This amino acid position is conserved. In addition, this alteration is predicted to be deleterious by in silico analysis. Since supporting evidence is limited at this time, the clinical significance of this alteration remains unclear.

Molecular Diagnostic Laboratory for Inherited Cardiovascular Disease, Montreal Heart Institute
Classification: Uncertain significance for Cardiovascular phenotype. Last evaluated: 2025-04-09. Review status: criteria provided, single submitter. Criteria: ACMG Guidelines, 2015. Collection method: clinical testing. Allele origin: germline. Affected: yes.

Blueprint Genetics
Classification: Uncertain significance. Last evaluated: 2024-11-18. Review status: criteria provided, single submitter. Criteria: ACMG Guidelines, 2015. Collection method: clinical testing. Allele origin: germline.

Women's Health and Genetics/Laboratory Corporation of America, LabCorp
Classification: Uncertain significance. Last evaluated: 2024-11-15. Review status: criteria provided, single submitter. Criteria: LabCorp Variant Classification Summary - May 2015. Collection method: clinical testing. Allele origin: germline.

Labcorp Genetics (formerly Invitae), Labcorp
Classification: Uncertain significance for DK1-congenital disorder of glycosylation. Last evaluated: 2024-07-19. Review status: criteria provided, single submitter. Criteria: Invitae Variant Classification Sherloc (09022015). Collection method: clinical testing. Allele origin: germline.
Comment: This sequence change replaces glutamic acid, which is acidic and polar, with glycine, which is neutral and non-polar, at codon 108 of the DOLK protein (p.Glu108Gly). This variant is present in population databases (rs779008975, gnomAD 0.01%). This variant has not been reported in the literature in individuals affected with DOLK-related conditions. ClinVar contains an entry for this variant (Variation ID: 505389). Advanced modeling of protein sequence and biophysical properties (such as structural, functional, and spatial information, amino acid conservation, physicochemical variation, residue mobility, and thermodynamic stability) performed at Invitae indicates that this missense variant is expected to disrupt DOLK protein function with a positive predictive value of 80%. In summary, the available evidence is currently insufficient to determine the role of this variant in disease. Therefore, it has been classified as a Variant of Uncertain Significance.

GeneDx
Classification: Uncertain significance. Last evaluated: 2023-06-20. Review status: criteria provided, single submitter. Criteria: GeneDx Variant Classification Process June 2021. Collection method: clinical testing. Allele origin: germline. Affected: yes.
Comment: Not observed at significant frequency in large population cohorts (gnomAD); In silico analysis supports that this missense variant does not alter protein structure/function; Has not been previously published as pathogenic or benign to our knowledge

Fulgent Genetics
Classification: Uncertain significance for DK1-congenital disorder of glycosylation. Last evaluated: 2021-09-08. Review status: criteria provided, single submitter. Criteria: ACMG Guidelines, 2015. Collection method: clinical testing. Allele origin: unknown.

Laboratory for Molecular Medicine, Mass General Brigham Personalized Medicine
Classification: Uncertain significance. Last evaluated: 2016-10-25. Review status: criteria provided, single submitter. Criteria: LMM Criteria. Collection method: clinical testing. Allele origin: germline. Observed: 1 variant allele.
Comment: The p.Glu108Gly variant in DOLK has not been previously reported in individuals with cardiomyopathy, but has been identified in 1/11556 Latino and 3/66278 Europ ean chromosomes by the Exome Aggregation Consortium (ExAC; dbSNP rs779008975). Computational prediction tools and conservation a nalysis suggest that the p.Glu108Gly variant may impact the protein, though this information is not predictive enough to determine pathogenicity. In summary, th e clinical significance of the p.Glu108Gly variant is uncertain.

NM_014908.4(DOLK):c.323A>G (p.Glu108Gly)

Gene: DOLK (dolichol kinase; minus strand). Cytogenetic location: 9q34.11.
Variant type: single nucleotide variant.
Coding change: c.323A>G on transcript NM_014908.4 (MANE Select); coding-DNA position 323, A replaced by G.
Protein change: p.Glu108Gly; replaces glutamic acid 108 with glycine.
Molecular consequence: missense variant.
Genome position (GRCh38, 1-based): chr9:128,946,981, T>C on the plus strand (A>G on the coding strand, the complement: DOLK is on the minus strand). VCF-style: chr9-128946981-T-C. GRCh37 (hg19) VCF-style: chr9-131709260-T-C.
Other names: short protein forms E108G.
Identifiers: ClinVar variation 505389 (VCV000505389.25), dbSNP rs779008975, ClinGen allele CA5271768.